The following is an entry in ClinVar:

ClinVar aggregate classification (germline): Pathogenic (1 of 4 stars; one submission).

Conditions:
Holocarboxylase synthetase deficiency. Also called: MULTIPLE CARBOXYLASE DEFICIENCY, EARLY ONSET. Identifiers: Orphanet 79242, MedGen C0268581, MONDO:0009666, OMIM 253270.

Submission:

Myriad Genetics, Inc.
Classification: Pathogenic for Holocarboxylase synthetase deficiency. Last evaluated: 2026-04-10. Review status: criteria provided, single submitter. Criteria: Myriad Autosomal Dominant, Autosomal Recessive and X-Linked Classification Criteria (2023). Collection method: clinical testing. Allele origin: unknown.
Comment: NM_000411.6(HLCS):c.1017delC(S340Afs*4) is expected to be pathogenic in the context of holocarboxylase synthetase deficiency. This variant is predicted to lead to an abnormal or absent protein product due to the creation of a premature termination codon in HLCS, a gene where loss-of-function variants are known to be pathogenic. Please note: this variant was assessed in the context of healthy population screening.

NM_001352514.2(HLCS):c.1458del (p.Ser487fs)

Gene: HLCS (holocarboxylase synthetase; minus strand). Cytogenetic location: 21q22.13.
Variant type: Deletion.
Coding change: c.1458del on transcript NM_001352514.2 (MANE Select); coding-DNA position 1458, one base deleted (C; older notation c.1458delC).
Protein change: p.Ser487fs; shifts the reading frame from serine 487.
Molecular consequence: frameshift variant. On other transcripts: non-coding transcript variant (2).
Genome position (GRCh38, 1-based): chr21:36,930,413, G deleted on the plus strand (C on the coding strand, the reverse complement: HLCS is on the minus strand); the first of 3 consecutive G bases (chr21:36,930,413-36,930,415); deleting any one gives the same sequence. VCF-style (leftmost placement, unchanged base first): chr21-36930412-TG-T. GRCh37 (hg19) VCF-style: chr21-38302712-TG-T.
Other names: c.1017del, p.Ser340fs (NM_000411.8, NM_001242784.3, NM_001242785.2 and 4 more transcripts); short protein forms S340fs, S487fs.
Identifiers: ClinVar variation 5015782 (VCV005015782.1).